The following is an entry in ClinVar:

ClinVar aggregate classification (germline): Uncertain significance (1 of 4 stars; one submission).

Allele frequency attached by ClinVar (database versions not stated): gnomAD 0.00001; TOPMed 0.00001; gnomAD exomes 0.00004; ExAC 0.00006.

Submission:

Ambry Genetics
Classification: Uncertain significance. Last evaluated: 2024-10-17. Review status: criteria provided, single submitter. Criteria: Ambry Variant Classification Scheme 2023. Collection method: clinical testing. Allele origin: germline.
Comment: The p.E1698D variant (also known as c.5094A>T), located in coding exon 22 of the WNK2 gene, results from an A to T substitution at nucleotide position 5094. The glutamic acid at codon 1698 is replaced by aspartic acid, an amino acid with highly similar properties. This amino acid position is conserved. In addition, this alteration is predicted to be tolerated by in silico analysis. Based on the available evidence, the clinical significance of this variant remains unclear.

NM_006648.4(WNK2):c.5094A>T (p.Glu1698Asp)

Gene: WNK2 (WNK lysine deficient protein kinase 2; plus strand). Cytogenetic location: 9q22.31.
Variant type: single nucleotide variant.
Coding change: c.5094A>T on transcript NM_006648.4 (MANE Select); coding-DNA position 5094, A replaced by T.
Protein change: p.Glu1698Asp; replaces glutamic acid 1698 with aspartic acid.
Molecular consequence: missense variant.
Genome position (GRCh38, 1-based): chr9:93,292,559, A>T. VCF-style: chr9-93292559-A-T. GRCh37 (hg19) VCF-style: chr9-96054841-A-T.
Other names: c.5205A>T, p.Glu1735Asp (NM_001282394.3); short protein forms E1735D, E1698D.
Identifiers: ClinVar variation 2395530 (VCV002395530.3), dbSNP rs770489101, ClinGen allele CA5130512.